The following is an entry in ClinVar:

NM_001394062.1(MACF1):c.20102C>T (p.Thr6701Ile)

Gene: MACF1 (microtubule actin crosslinking factor 1; plus strand). Cytogenetic location: 1p34.3.
Variant type: single nucleotide variant.
Coding change: c.20102C>T on transcript NM_001394062.1 (MANE Select); coding-DNA position 20102, C replaced by T.
Protein change: p.Thr6701Ile; replaces threonine 6701 with isoleucine.
Molecular consequence: missense variant.
Genome position (GRCh38, 1-based): chr1:39,448,607, C>T. VCF-style: chr1-39448607-C-T. GRCh37 (hg19) VCF-style: chr1-39914279-C-T.
Other names: c.13925C>T, p.Thr4642Ile (NM_012090.5); short protein forms T4642I, T6701I.
Identifiers: ClinVar variation 1303982 (VCV001303982.2), dbSNP rs376728302, ClinGen allele CA339822120.

ClinVar aggregate classification (germline): Uncertain significance (1 of 4 stars; one submission).

Submission:

GeneDx
Classification: Uncertain significance. Last evaluated: 2019-12-02. Review status: criteria provided, single submitter. Criteria: GeneDx Variant Classification Process June 2021. Collection method: clinical testing. Allele origin: germline. Affected: yes.
Comment: Not observed in large population cohorts (Lek et al., 2016); In silico analysis, which includes protein predictors and evolutionary conservation, supports a deleterious effect; Variants in candidate genes are classified as variants of uncertain significance in accordance with ACMG guidelines (Richards et al., 2015)